The following is an entry in ClinVar:

NM_004586.3(RPS6KA3):c.2100+10C>T

Gene: RPS6KA3 (ribosomal protein S6 kinase A3; minus strand). Cytogenetic location: Xp22.12.
Variant type: single nucleotide variant.
Coding change: c.2100+10C>T on transcript NM_004586.3 (MANE Select); 10 bases into the intron after coding-DNA position 2100, C replaced by T.
Molecular consequence: intron variant.
Genome position (GRCh38, 1-based): chrX:20,156,099, G>A on the plus strand (C>T on the coding strand, the complement: RPS6KA3 is on the minus strand). VCF-style: chrX-20156099-G-A. GRCh37 (hg19) VCF-style: chrX-20174217-G-A.
Identifiers: ClinVar variation 2431747 (VCV002431747.1), dbSNP rs2519572614, ClinGen allele CA2580100448.
Genomic context (GRCh38, chrX:20,156,099, plus strand): 5'-CATGGACAGGGCTTCTTGAAGTCTCTCCTGGAGGACCTGTGGAAAACAGTGACTGTATGG[G>A]GCTGCTCACCTTTACTAGATGTGGTGCATCCTGTCTGTTTAGTTGGTATTGTGGCAGTTG-3'

ClinVar aggregate classification (germline): Uncertain significance (1 of 4 stars; one submission).

Conditions:
Intellectual developmental disorder, X-linked 19. Also called: Intellectual disability, X-linked 19. Identifiers: Orphanet 777, MedGen C0796225, MONDO:0010447, OMIM 300844.

Submission:

Laboratorio de Genetica e Diagnostico Molecular, Hospital Israelita Albert Einstein
Classification: Uncertain significance for Intellectual developmental disorder, X-linked 19. Last evaluated: 2022-11-29. Review status: criteria provided, single submitter. Criteria: ACMG Guidelines, 2015. Collection method: clinical testing. Allele origin: germline. Affected: yes. Observed: 1 variant allele.
Comment: ACMG classification criteria: PM2 moderated